The following is an entry in ClinVar:

ClinVar aggregate classification (germline): Uncertain significance (1 of 4 stars; one submission).

Conditions:
Squalene synthase deficiency. Also called: NEURODEVELOPMENTAL DISORDER WITH LOW CHOLESTEROL AND ABNORMAL URINE ORGANIC ACIDS. Identifiers: MedGen C4748427, MONDO:0032566, OMIM 618156.

Allele frequency attached by ClinVar (database versions not stated): gnomAD 0.00002; ExAC 0.00020; 1000 Genomes Project 30x 0.00031; 1000 Genomes Project 0.00040.
gnomAD v4.1: 82 of 1,611,404 alleles (0.0051%); highest among the groups gnomAD compares: South Asian, 0.088%; 1 homozygote.

Submission:

Baylor Genetics
Classification: Uncertain significance for Squalene synthase deficiency. Last evaluated: 2020-07-20. Review status: criteria provided, single submitter. Criteria: ACMG Guidelines, 2015. Collection method: clinical testing. Allele origin: unknown. Affected: yes.
Comment: This variant was determined to be of uncertain significance according to ACMG Guidelines, 2015 [PMID:25741868].

NM_004462.5(FDFT1):c.19C>A (p.Leu7Ile)

Gene: FDFT1 (farnesyl-diphosphate farnesyltransferase 1). Cytogenetic location: 8p23.1.
Variant type: single nucleotide variant.
Coding change: c.19C>A on transcript NM_004462.5 (MANE Select); coding-DNA position 19, C replaced by A.
Protein change: p.Leu7Ile; replaces leucine 7 with isoleucine.
Molecular consequence: missense variant. On other transcripts: 5 prime UTR variant (1), intron variant (1).
Genome position (GRCh38, 1-based): chr8:11,802,851, C>A. VCF-style: chr8-11802851-C-A. GRCh37 (hg19) VCF-style: chr8-11660360-C-A.
Other names: c.19C>A, p.Leu7Ile (NM_001287742.2, NM_001287743.2); c.-371C>A (NM_001287745.2); c.5C>A, p.Pro2His (NM_001287756.2); c.-93-5943C>A (NM_001287744.2); short protein forms P2H, L7I.
Identifiers: ClinVar variation 1028763 (VCV001028763.1), dbSNP rs574662343, ClinGen allele CA4631515.